The following is an entry in ClinVar:

ClinVar aggregate classification (germline): Uncertain significance (1 of 4 stars; one submission).

Conditions:
Genitopatellar syndrome (GTPTS). Also called: Genitopatellar syndrome (GPS); ABSENT PATELLAE, SCROTAL HYPOPLASIA, RENAL ANOMALIES, FACIAL DYSMORPHISM, AND MENTAL RETARDATION. Identifiers: Orphanet 85201, MedGen C1853566, MONDO:0011640, OMIM 606170.

Allele frequency attached by ClinVar (database versions not stated): ExAC 0.00001; gnomAD exomes 0.00001; gnomAD 0.00003; TOPMed 0.00003.

Submission:

Labcorp Genetics (formerly Invitae), Labcorp
Classification: Uncertain significance for Genitopatellar syndrome. Last evaluated: 2025-03-31. Review status: criteria provided, single submitter. Criteria: Invitae Variant Classification Sherloc (09022015). Collection method: clinical testing. Allele origin: germline.
Comment: This sequence change replaces arginine, which is basic and polar, with histidine, which is basic and polar, at codon 572 of the KAT6B protein (p.Arg572His). This variant is present in population databases (rs752631205, gnomAD 0.003%). This variant has not been reported in the literature in individuals affected with KAT6B-related conditions. ClinVar contains an entry for this variant (Variation ID: 2199289). An algorithm developed to predict the effect of missense changes on protein structure and function (PolyPhen-2) suggests that this variant is likely to be tolerated. In summary, the available evidence is currently insufficient to determine the role of this variant in disease. Therefore, it has been classified as a Variant of Uncertain Significance.

NM_012330.4(KAT6B):c.1715G>A (p.Arg572His)

Gene: KAT6B (lysine acetyltransferase 6B; plus strand). Cytogenetic location: 10q22.2.
Variant type: single nucleotide variant.
Coding change: c.1715G>A on transcript NM_012330.4 (MANE Select); coding-DNA position 1715, G replaced by A.
Protein change: p.Arg572His; replaces arginine 572 with histidine.
Molecular consequence: missense variant. On other transcripts: intron variant (13).
Genome position (GRCh38, 1-based): chr10:74,976,052, G>A. VCF-style: chr10-74976052-G-A. GRCh37 (hg19) VCF-style: chr10-76735810-G-A.
Other names: c.1715G>A, p.Arg572His (NM_001370136.1, NM_001370137.1); c.1117+598G>A (NM_001370139.1, NM_001370140.1, NM_001370141.1 and 3 more transcripts); c.1444+271G>A (NM_001370138.1, NM_001256468.2); c.846+6277G>A (NM_001370133.1); c.193-3172G>A (NM_001370134.1); c.929-1264G>A (NM_001370143.1, NM_001370144.1); c.193-12967G>A (NM_001370135.1); short protein forms R572H.
Identifiers: ClinVar variation 2199289 (VCV002199289.4), dbSNP rs752631205, ClinGen allele CA5564463.